The following is an entry in ClinVar:

NM_001040108.2(MLH3):c.2555C>T (p.Thr852Ile)

Gene: MLH3 (mutL homolog 3; minus strand). Cytogenetic location: 14q24.3.
Variant type: single nucleotide variant.
Coding change: c.2555C>T on transcript NM_001040108.2 (MANE Select); coding-DNA position 2555, C replaced by T.
Protein change: p.Thr852Ile; replaces threonine 852 with isoleucine.
Molecular consequence: missense variant.
Genome position (GRCh38, 1-based): chr14:75,047,101, G>A on the plus strand (C>T on the coding strand, the complement: MLH3 is on the minus strand). VCF-style: chr14-75047101-G-A. GRCh37 (hg19) VCF-style: chr14-75513804-G-A.
Other names: c.2555C>T, p.Thr852Ile (NM_014381.3); short protein forms T852I.
Identifiers: ClinVar variation 664738 (VCV000664738.8), dbSNP rs1594777802, ClinGen allele CA390439891.

ClinVar aggregate classification (germline): Uncertain significance (1 of 4 stars; one submission).

Conditions:
Colorectal cancer, hereditary nonpolyposis, type 7. Identifiers: Orphanet 144, MedGen C1858380, MONDO:0013725, OMIM 614385.

Submission:

Labcorp Genetics (formerly Invitae), Labcorp
Classification: Uncertain significance for Colorectal cancer, hereditary nonpolyposis, type 7. Last evaluated: 2018-11-07. Review status: criteria provided, single submitter. Criteria: Invitae Variant Classification Sherloc (09022015). Collection method: clinical testing. Allele origin: germline.
Comment: In summary, the available evidence is currently insufficient to determine the role of this variant in disease. Therefore, it has been classified as a Variant of Uncertain Significance. Algorithms developed to predict the effect of missense changes on protein structure and function are either unavailable or do not agree on the potential impact of this missense change (SIFT: "Deleterious"; PolyPhen-2: "Possibly Damaging"; Align-GVGD: "Class C0"). This variant has not been reported in the literature in individuals with MLH3-related disease. This variant is not present in population databases (ExAC no frequency). This sequence change replaces threonine with isoleucine at codon 852 of the MLH3 protein (p.Thr852Ile). The threonine residue is moderately conserved and there is a moderate physicochemical difference between threonine and isoleucine.